The following is an entry in ClinVar:

ClinVar aggregate classification (germline): Uncertain significance (1 of 4 stars; one submission).

Conditions:
Alzheimer disease. Also called: Presenile and senile dementia; Alzheimer's disease. Identifiers: Orphanet 1020, MedGen C0002395, MeSH D000544, MONDO:0004975, HP:0002511.

Submission:

Labcorp Genetics (formerly Invitae), Labcorp
Classification: Uncertain significance for Alzheimer disease. Last evaluated: 2022-01-26. Review status: criteria provided, single submitter. Criteria: Invitae Variant Classification Sherloc (09022015). Collection method: clinical testing. Allele origin: germline.
Comment: In summary, the available evidence is currently insufficient to determine the role of this variant in disease. Therefore, it has been classified as a Variant of Uncertain Significance. This sequence change replaces leucine, which is neutral and non-polar, with methionine, which is neutral and non-polar, at codon 189 of the APP protein (p.Leu189Met). This variant is not present in population databases (gnomAD no frequency). This variant has not been reported in the literature in individuals affected with APP-related conditions. Algorithms developed to predict the effect of missense changes on protein structure and function are either unavailable or do not agree on the potential impact of this missense change (SIFT: "Tolerated"; PolyPhen-2: "Not Available"; Align-GVGD: "Class C0").

NM_000484.4(APP):c.565C>A (p.Leu189Met)

Gene: APP (amyloid beta precursor protein; minus strand). Cytogenetic location: 21q21.3.
Variant type: single nucleotide variant.
Coding change: c.565C>A on transcript NM_000484.4 (MANE Select); coding-DNA position 565, C replaced by A.
Protein change: p.Leu189Met; replaces leucine 189 with methionine.
Molecular consequence: missense variant.
Genome position (GRCh38, 1-based): chr21:26,051,097, G>T on the plus strand (C>A on the coding strand, the complement: APP is on the minus strand). VCF-style: chr21-26051097-G-T. GRCh37 (hg19) VCF-style: chr21-27423413-G-T.
Other names: c.550C>A, p.Leu184Met (NM_001136016.3); c.397C>A, p.Leu133Met (NM_001136129.3, NM_001136130.3); c.460C>A, p.Leu154Met (NM_001136131.3); c.565C>A, p.Leu189Met (NM_001204301.2, NM_001204302.2, NM_001204303.2 and 3 more transcripts); short protein forms L189M, L133M, L154M, L184M.
Identifiers: ClinVar variation 1986069 (VCV001986069.4), dbSNP rs1208508997, ClinGen allele CA409862894.